The following is an entry in ClinVar:

ClinVar aggregate classification (germline): Uncertain significance (1 of 4 stars; one submission).

Submission:

GeneDx
Classification: Uncertain significance. Last evaluated: 2022-10-05. Review status: criteria provided, single submitter. Criteria: GeneDx Variant Classification Process June 2021. Collection method: clinical testing. Allele origin: germline. Affected: yes.
Comment: Not observed at significant frequency in large population cohorts (gnomAD); In silico analysis supports that this missense variant does not alter protein structure/function; Has not been previously published as pathogenic or benign to our knowledge

NM_003114.5(SPAG1):c.2585T>C (p.Ile862Thr)

Gene: SPAG1 (sperm associated antigen 1; plus strand). Cytogenetic location: 8q22.2.
Variant type: single nucleotide variant.
Coding change: c.2585T>C on transcript NM_003114.5 (MANE Select); coding-DNA position 2585, T replaced by C.
Protein change: p.Ile862Thr; replaces isoleucine 862 with threonine.
Molecular consequence: missense variant.
Genome position (GRCh38, 1-based): chr8:100,240,707, T>C. VCF-style: chr8-100240707-T-C. GRCh37 (hg19) VCF-style: chr8-101252935-T-C.
Other names: c.2585T>C, p.Ile862Thr (NM_001374321.1, NM_172218.3); short protein forms I862T.
Identifiers: ClinVar variation 2498026 (VCV002498026.1), dbSNP rs2489646379, ClinGen allele CA371819005.